The following is an entry in ClinVar:

NM_000051.4(ATM):c.8944C>T (p.Pro2982Ser)

Genes: ATM (ATM serine/threonine kinase; plus strand), C11orf65 (chromosome 11 open reading frame 65; minus strand). Cytogenetic location: 11q22.3.
Variant type: single nucleotide variant.
Coding change: c.8944C>T on transcript NM_000051.4 (MANE Select); coding-DNA position 8944, C replaced by T.
Protein change: p.Pro2982Ser; replaces proline 2982 with serine.
Molecular consequence: missense variant. On other transcripts: intron variant (2).
Genome position (GRCh38, 1-based): chr11:108,365,175, C>T. VCF-style: chr11-108365175-C-T. GRCh37 (hg19) VCF-style: chr11-108235902-C-T.
Other names: c.8944C>T, p.Pro2982Ser (NM_001351834.2); c.640+20745G>A (NM_001330368.2); c.694+20745G>A (NM_001351110.2); short protein forms P2982S.
Identifiers: ClinVar variation 628618 (VCV000628618.23), dbSNP rs1485620194, ClinGen allele CA382530158.
Genomic context (GRCh38, chr11:108,365,175, plus strand): 5'-ATGAATCCTTTGAAAGCTTTGTATTTACAGCAGAGGCCGGAAGATGAAACTGAGCTTCAC[C>T]CTACTCTGAATGCAGATGACCAAGAATGCAAACGAAATCTCAGGTGAGCAGTATTTTAAG-3'
Protein context (NP_000042.3, residues 2972-2992): QRPEDETELH[Pro2982Ser]TLNADDQECK

ClinVar aggregate classification (germline): Conflicting classifications of pathogenicity. Review status: criteria provided, conflicting classifications (1 of 4 stars). 6 submissions from 6 submitters: Uncertain significance (5); Likely benign (1). Last evaluated 2026-01-05.

Conditions:
Ataxia-telangiectasia syndrome (AT). Also called: Ataxia-telangiectasia, complementation group D; AT, COMPLEMENTATION GROUP C; ATAXIA-TELANGIECTASIA, COMPLEMENTATION GROUP A; ATAXIA-TELANGIECTASIA, FRESNO VARIANT; Ataxia-telangiectasia; LOUIS-BAR SYNDROME. Identifiers: Orphanet 100, MedGen C0004135, MONDO:0008840, OMIM 208900.
Hereditary cancer-predisposing syndrome. Also called: Tumor predisposition; Hereditary neoplastic syndrome; Neoplastic Syndromes, Hereditary; Hereditary Cancer Syndrome. Identifiers: Orphanet 140162, MedGen C0027672, MeSH D009386, MONDO:0015356.

Allele frequency attached by ClinVar (database versions not stated): gnomAD exomes 0.00001 and 0.00002.
gnomAD v4.1: 9 of 1,614,146 alleles (0.00056%); highest among the groups gnomAD compares: Admixed American, 0.005%; no homozygotes.

Submissions (6):

Labcorp Genetics (formerly Invitae), Labcorp
Classification: Uncertain significance for Ataxia-telangiectasia syndrome. Last evaluated: 2026-01-05. Review status: criteria provided, single submitter. Criteria: Invitae Variant Classification Sherloc (09022015). Collection method: clinical testing. Allele origin: germline.
Comment: This sequence change replaces proline, which is neutral and non-polar, with serine, which is neutral and polar, at codon 2982 of the ATM protein (p.Pro2982Ser). This variant is present in population databases (no rsID available, gnomAD 0.01%). This variant has not been reported in the literature in individuals affected with ATM-related conditions. ClinVar contains an entry for this variant (Variation ID: 628618). Invitae Evidence Modeling of protein sequence and biophysical properties (such as structural, functional, and spatial information, amino acid conservation, physicochemical variation, residue mobility, and thermodynamic stability) indicates that this missense variant is not expected to disrupt ATM protein function with a negative predictive value of 95%. In summary, the available evidence is currently insufficient to determine the role of this variant in disease. Therefore, it has been classified as a Variant of Uncertain Significance.

Women's Health and Genetics/Laboratory Corporation of America, LabCorp
Classification: Uncertain significance. Last evaluated: 2025-10-10. Review status: criteria provided, single submitter. Criteria: LabCorp Variant Classification Summary - May 2015. Collection method: clinical testing. Allele origin: germline.

Color Diagnostics, LLC DBA Color Health
Classification: Uncertain significance for Hereditary cancer-predisposing syndrome. Last evaluated: 2024-03-06. Review status: criteria provided, single submitter. Criteria: ACMG Guidelines, 2015. Collection method: clinical testing. Allele origin: germline.
Comment: This missense variant replaces proline with serine at codon 2982 of the ATM protein. Computational prediction suggests that this variant may not impact protein structure and function (internally defined REVEL score threshold <= 0.5, PMID: 27666373). To our knowledge, functional studies have not been reported for this variant. This variant has not been reported in individuals affected with hereditary cancer in the literature. This variant has been identified in 6/251396 chromosomes in the general population by the Genome Aggregation Database (gnomAD). The available evidence is insufficient to determine the role of this variant in disease conclusively. Therefore, this variant is classified as a Variant of Uncertain Significance.

GeneDx
Classification: Uncertain significance. Last evaluated: 2023-12-13. Review status: criteria provided, single submitter. Criteria: GeneDx Variant Classification Process June 2021. Collection method: clinical testing. Allele origin: germline. Affected: yes.
Comment: Not observed at significant frequency in large population cohorts (gnomAD); In silico analysis supports that this missense variant does not alter protein structure/function; Has not been previously published as pathogenic or benign to our knowledge; This variant is associated with the following publications: (PMID: 23532176)

Quest Diagnostics Nichols Institute San Juan Capistrano
Classification: Uncertain significance. Last evaluated: 2022-12-13. Review status: criteria provided, single submitter. Criteria: Quest Diagnostics criteria. Collection method: clinical testing. Allele origin: unknown.

Ambry Genetics
Classification: Likely benign for Hereditary cancer-predisposing syndrome. Last evaluated: 2019-05-23. Review status: criteria provided, single submitter. Criteria: Ambry Variant Classification Scheme 2023. Collection method: clinical testing. Allele origin: germline.